The following is an entry in ClinVar:

ClinVar aggregate classification (germline): Uncertain significance. Review status: criteria provided, multiple submitters, no conflicts (2 of 4 stars). 2 submissions from 2 submitters: Uncertain significance (2). Last evaluated 2024-05-27.

Conditions:
Fanconi anemia (FA). Also called: Fanconi's anemia. Identifiers: Orphanet 84, MedGen C0015625, MeSH D005199, MONDO:0019391.
Fanconi anemia complementation group I (FANCI). Also called: FANCI-Related Fanconi Anemia. Identifiers: Orphanet 84, MedGen C1836861, MONDO:0012186, OMIM 609053.

Allele frequency attached by ClinVar (database versions not stated): gnomAD exomes below 0.00001.
gnomAD v4.1: 1 of 1,614,062 alleles (0.000062%); highest among the groups gnomAD compares: East Asian, 0.0022%; no homozygotes.

Submissions (2):

St. Jude Molecular Pathology, St. Jude Children's Research Hospital
Classification: Uncertain significance for Fanconi anemia complementation group I. Last evaluated: 2024-05-27. Review status: criteria provided, single submitter. Criteria: St. Jude Assertion Criteria 2020. Collection method: clinical testing. Allele origin: germline.
Comment: The FANCI c.2342T>C (p.Leu781Pro) missense change has a maximum subpopulation frequency of 0.0054% in gnomAD v2.1.1. The in silico tool REVEL predicts a deleterious effect on protein function, but to our knowledge this prediction has not been confirmed by functional studies. To our knowledge, this variant has not been reported in individuals with Fanconi anemia. In summary, the evidence currently available is insufficient to determine the clinical significance of this variant. It has therefore been classified as of uncertain significance.

Labcorp Genetics (formerly Invitae), Labcorp
Classification: Uncertain significance for Fanconi anemia. Last evaluated: 2024-04-22. Review status: criteria provided, single submitter. Criteria: Invitae Variant Classification Sherloc (09022015). Collection method: clinical testing. Allele origin: germline.
Comment: This sequence change replaces leucine, which is neutral and non-polar, with proline, which is neutral and non-polar, at codon 781 of the FANCI protein (p.Leu781Pro). This variant is present in population databases (no rsID available, gnomAD 0.006%). This variant has not been reported in the literature in individuals affected with FANCI-related conditions. ClinVar contains an entry for this variant (Variation ID: 2414972). Advanced modeling of protein sequence and biophysical properties (such as structural, functional, and spatial information, amino acid conservation, physicochemical variation, residue mobility, and thermodynamic stability) performed at Invitae indicates that this missense variant is expected to disrupt FANCI protein function with a positive predictive value of 80%. In summary, the available evidence is currently insufficient to determine the role of this variant in disease. Therefore, it has been classified as a Variant of Uncertain Significance.

NM_001113378.2(FANCI):c.2342T>C (p.Leu781Pro)

Gene: FANCI (FA complementation group I; plus strand). Cytogenetic location: 15q26.1.
Variant type: single nucleotide variant.
Coding change: c.2342T>C on transcript NM_001113378.2 (MANE Select); coding-DNA position 2342, T replaced by C.
Protein change: p.Leu781Pro; replaces leucine 781 with proline.
Molecular consequence: missense variant.
Genome position (GRCh38, 1-based): chr15:89,293,883, T>C. VCF-style: chr15-89293883-T-C. GRCh37 (hg19) VCF-style: chr15-89837114-T-C.
Other names: c.2063T>C, p.Leu688Pro (NM_001376910.1); c.2342T>C, p.Leu781Pro (NM_001376911.1, NM_018193.3); short protein forms L688P, L781P.
Identifiers: ClinVar variation 2414972 (VCV002414972.4), dbSNP rs1273833992, ClinGen allele CA393750150.
Genomic context (GRCh38, chr15:89,293,883, plus strand): 5'-TTTTTTACAGTAAGAATAGGTTTGAGGACATTCTGAGCTTATTTATGTGTTACAAAAAAC[T>C]CTCTGACATTCTTAATGAAAAAGCGGGTAAAGCCAAAACTAAAATGGCCAACAAGACAAG-3'
Protein context (NP_001106849.1, residues 771-791): ILSLFMCYKK[Leu781Pro]SDILNEKAGK